The following is an entry in ClinVar:

NM_173630.4(RTTN):c.2693C>T (p.Pro898Leu)

Gene: RTTN (rotatin; minus strand). Cytogenetic location: 18q22.2.
Variant type: single nucleotide variant.
Coding change: c.2693C>T on transcript NM_173630.4 (MANE Select); coding-DNA position 2693, C replaced by T.
Protein change: p.Pro898Leu; replaces proline 898 with leucine.
Molecular consequence: missense variant. On other transcripts: 5 prime UTR variant (1).
Genome position (GRCh38, 1-based): chr18:70,139,694, G>A on the plus strand (C>T on the coding strand, the complement: RTTN is on the minus strand). VCF-style: chr18-70139694-G-A. GRCh37 (hg19) VCF-style: chr18-67806930-G-A.
Other names: c.-44C>T (NM_001318520.2); short protein forms P898L.
Identifiers: ClinVar variation 4531699 (VCV004531699.1).

ClinVar aggregate classification (germline): Uncertain significance (1 of 4 stars; one submission).

Conditions:
Microcephalic primordial dwarfism due to RTTN deficiency (MSSP). Also called: MICROCEPHALY, SHORT STATURE, AND POLYMICROGYRIA; Microcephaly, short stature, and polymicrogyria with or without seizures. Identifiers: Orphanet 468631, MedGen C3553831, MONDO:0018764, OMIM 614833.

Submission:

Victorian Clinical Genetics Services, Murdoch Childrens Research Institute
Classification: Uncertain significance for Microcephalic primordial dwarfism due to RTTN deficiency. Last evaluated: 2025-06-19. Review status: criteria provided, single submitter. Criteria: ACMG Guidelines, 2015. Collection method: clinical testing. Allele origin: germline. Affected: yes.
Comment: This variant is classified as VUS-3A. Evidence in support of pathogenic classification: Variant is absent from gnomAD (v2, v3 and v4); Heterozygous variant detected in trans with a PATHOGENIC heterozygous variant (NM_173630.4(RTTN):c.4050G>A; p.(Trp1350*)) in a recessive disease. Additional information: Variant is predicted to result in a missense amino acid change from proline to leucine; This variant is heterozygous; This gene is associated with autosomal recessive disease; Alternative amino acid change(s) at the same position are present in gnomAD (Highest allele count: v4: 97 heterozygote(s), 0 homozygote(s)); This variant has no previous evidence of pathogenicity; No published segregation evidence has been identified for this variant; No published functional evidence has been identified for this variant; Other missense variant(s) comparable to the one identified in this case have inconclusive previous evidence for pathogenicity. (p.Pro898Thr) and (p.Pro898Ser) have been classified as VUS by clinical laboratories in ClinVar; Variant is not located in an established domain, motif, hotspot or informative constraint region; Missense variant with inconclusive in silico prediction and/or uninformative conservation; Loss of function is a known mechanism of disease in this gene and is associated with microcephaly, short stature, and polymicrogyria with seizures (MIM#614833).